The following is an entry in ClinVar:

ClinVar aggregate classification (germline): Uncertain significance (1 of 4 stars; one submission).

Allele frequency attached by ClinVar (database versions not stated): ExAC 0.00001; gnomAD exomes 0.00001.

Submission:

Women's Health and Genetics/Laboratory Corporation of America, LabCorp
Classification: Uncertain significance. Last evaluated: 2024-04-23. Review status: criteria provided, single submitter. Criteria: LabCorp Variant Classification Summary - May 2015. Collection method: clinical testing. Allele origin: germline.
Comment: Variant summary: SETD1A c.632C>T (p.Thr211Ile) results in a non-conservative amino acid change in the encoded protein sequence. Four of five in-silico tools predict a benign effect of the variant on protein function. The variant allele was found at a frequency of 1.2e-05 in 249852 control chromosomes. The available data on variant occurrences in the general population are insufficient to allow any conclusion about variant significance. To our knowledge, no occurrence of c.632C>T in individuals affected with Neurodevelopmental Disorder With Speech Impairment And Dysmorphic Facies and no experimental evidence demonstrating its impact on protein function have been reported. No submitters have cited clinical-significance assessments for this variant to ClinVar. Based on the evidence outlined above, the variant was classified as uncertain significance.

NM_014712.3(SETD1A):c.632C>T (p.Thr211Ile)

Gene: SETD1A (SET domain containing 1A, histone lysine methyltransferase; plus strand). Cytogenetic location: 16p11.2.
Variant type: single nucleotide variant.
Coding change: c.632C>T on transcript NM_014712.3 (MANE Select); coding-DNA position 632, C replaced by T.
Protein change: p.Thr211Ile; replaces threonine 211 with isoleucine.
Molecular consequence: missense variant.
Genome position (GRCh38, 1-based): chr16:30,963,547, C>T. VCF-style: chr16-30963547-C-T. GRCh37 (hg19) VCF-style: chr16-30974868-C-T.
Other names: short protein forms T211I.
Identifiers: ClinVar variation 3251763 (VCV003251763.1), dbSNP rs766819243.